The following is an entry in ClinVar:

NM_000128.4(F11):c.1048C>A (p.Leu350Ile)

Gene: F11 (coagulation factor XI; plus strand). Cytogenetic location: 4q35.2.
Variant type: single nucleotide variant.
Coding change: c.1048C>A on transcript NM_000128.4 (MANE Select); coding-DNA position 1048, C replaced by A.
Protein change: p.Leu350Ile; replaces leucine 350 with isoleucine.
Molecular consequence: missense variant.
Genome position (GRCh38, 1-based): chr4:186,280,493, C>A. VCF-style: chr4-186280493-C-A. GRCh37 (hg19) VCF-style: chr4-187201647-C-A.
Other names: c.1000C>A, p.Leu334Ile (NM_001440590.1, NM_001440596.1); c.1048C>A, p.Leu350Ile (NM_001440593.1); c.778C>A, p.Leu260Ile (NM_001440605.1, NM_001440607.1); c.730C>A, p.Leu244Ile (NM_001440606.1, NM_001440608.1); short protein forms L244I, L260I, L334I, L350I.
Identifiers: ClinVar variation 4074334 (VCV004074334.1).

ClinVar aggregate classification (germline): Uncertain significance (1 of 4 stars; one submission).

gnomAD v4.1: 37 of 1,614,004 alleles (0.0023%); highest among the groups gnomAD compares: Non-Finnish European, 0.0031%; no homozygotes.

Submission:

GeneDx
Classification: Uncertain significance. Last evaluated: 2025-02-11. Review status: criteria provided, single submitter. Criteria: GeneDx Variant Classification Process June 2021. Collection method: clinical testing. Allele origin: germline. Affected: yes.
Comment: Not observed at significant frequency in large population cohorts (gnomAD); In silico analysis indicates that this missense variant does not alter protein structure/function; Has not been previously published as pathogenic or benign to our knowledge